The following is an entry in ClinVar:

NM_004448.4(ERBB2):c.3626C>G (p.Pro1209Arg)

Gene: ERBB2 (erb-b2 receptor tyrosine kinase 2; plus strand). Cytogenetic location: 17q12.
Variant type: single nucleotide variant.
Coding change: c.3626C>G on transcript NM_004448.4 (MANE Select); coding-DNA position 3626, C replaced by G.
Protein change: p.Pro1209Arg; replaces proline 1209 with arginine.
Molecular consequence: missense variant. On other transcripts: 3 prime UTR variant (2), non-coding transcript variant (1).
Genome position (GRCh38, 1-based): chr17:39,727,902, C>G. VCF-style: chr17-39727902-C-G. GRCh37 (hg19) VCF-style: chr17-37884155-C-G.
Other names: c.3422C>G, p.Pro1141Arg (NM_001382801.1); c.3368C>G, p.Pro1123Arg (NM_001382802.1); c.*205C>G (NM_001382803.1, NM_001289937.2); c.2798C>G, p.Pro933Arg (NM_001382804.1); c.2675C>G, p.Pro892Arg (NM_001382805.1); c.2588C>G, p.Pro863Arg (NM_001382806.1); c.3536C>G, p.Pro1179Arg (NM_001005862.3, NM_001382782.1, NM_001382783.1); c.3581C>G, p.Pro1194Arg (NM_001289936.2); and 16 more; short protein forms P1147R, P1157R, P1179R, P1206R, P1209R, P1243R, P1193R, P1197R.
Identifiers: ClinVar variation 2885718 (VCV002885718.3), dbSNP rs2059869520, ClinGen allele CA399314080.

ClinVar aggregate classification (germline): Uncertain significance (1 of 4 stars; one submission).

Allele frequency attached by ClinVar (database versions not stated): TOPMed below 0.00001.
gnomAD v4.1: 1 of 1,614,166 alleles (0.000062%); no homozygotes.

Submission:

Labcorp Genetics (formerly Invitae), Labcorp
Classification: Uncertain significance. Last evaluated: 2025-12-21. Review status: criteria provided, single submitter. Criteria: Invitae Variant Classification Sherloc (09022015). Collection method: clinical testing. Allele origin: germline.
Comment: This sequence change replaces proline, which is neutral and non-polar, with arginine, which is basic and polar, at codon 1209 of the ERBB2 protein (p.Pro1209Arg). This variant is not present in population databases (gnomAD no frequency). This variant has not been reported in the literature in individuals affected with ERBB2-related conditions. ClinVar contains an entry for this variant (Variation ID: 2885718). An algorithm developed to predict the effect of missense changes on protein structure and function (PolyPhen-2) suggests that this variant is likely to be disruptive. In summary, the available evidence is currently insufficient to determine the role of this variant in disease. Therefore, it has been classified as a Variant of Uncertain Significance.